The following is an entry in ClinVar:

NM_001134407.3(GRIN2A):c.1057G>A (p.Glu353Lys)

Gene: GRIN2A (glutamate ionotropic receptor NMDA type subunit 2A; minus strand). Cytogenetic location: 16p13.2.
Variant type: single nucleotide variant.
Coding change: c.1057G>A on transcript NM_001134407.3 (MANE Select); coding-DNA position 1057, G replaced by A.
Protein change: p.Glu353Lys; replaces glutamic acid 353 with lysine.
Molecular consequence: missense variant.
Genome position (GRCh38, 1-based): chr16:9,891,051, C>T on the plus strand (G>A on the coding strand, the complement: GRIN2A is on the minus strand). VCF-style: chr16-9891051-C-T. GRCh37 (hg19) VCF-style: chr16-9984908-C-T.
Other names: c.1057G>A, p.Glu353Lys (NM_001134408.2, NM_000833.5); short protein forms E353K.
Identifiers: ClinVar variation 583238 (VCV000583238.9), dbSNP rs373239575, ClinGen allele CA7896832.

ClinVar aggregate classification (germline): Benign/Likely benign. Review status: criteria provided, multiple submitters, no conflicts (2 of 4 stars). 2 submissions from 2 submitters: Benign (1); Likely benign (1). Last evaluated 2025-06-23.

Conditions:
GRIN2A-related complex neurodevelopmental disorder. Also called: GRIN2A-related disorder; GRIN2A-related condition. Identifiers: MedGen CN379781, MONDO:1060139.
Landau-Kleffner syndrome (FESD). Also called: EPILEPSY, FOCAL, WITH SPEECH DISORDER AND WITH OR WITHOUT MENTAL RETARDATION; APHASIA, ACQUIRED, WITH EPILEPSY. Identifiers: Orphanet 1945, Orphanet 725, Orphanet 98818, MedGen C0282512, MONDO:0009509, OMIM 245570.

Allele frequency attached by ClinVar (database versions not stated): gnomAD 0.00008 and 0.00009; ExAC 0.00002; gnomAD exomes 0.00001 and 0.00002; TOPMed 0.00008; ESP Exome Variant Server 0.00015.
gnomAD v4.1: 22 of 1,613,410 alleles (0.0014%); highest among the groups gnomAD compares: African/African-American, 0.028%; no homozygotes.

Submissions (2):

Labcorp Genetics (formerly Invitae), Labcorp
Classification: Benign for Landau-Kleffner syndrome. Last evaluated: 2025-06-23. Review status: criteria provided, single submitter. Criteria: Invitae Variant Classification Sherloc (09022015). Collection method: clinical testing. Allele origin: germline.

PreventionGenetics, part of Exact Sciences
Classification: Likely benign for GRIN2A-related condition. Last evaluated: 2024-10-18. Review status: criteria provided, single submitter. Criteria: ACMG Guidelines, 2015. Collection method: clinical testing. Allele origin: germline.
Comment: This variant is classified as likely benign based on ACMG/AMP sequence variant interpretation guidelines (Richards et al. 2015 PMID: 25741868, with internal and published modifications).